The following is an entry in ClinVar:

ClinVar aggregate classification (germline): Uncertain significance (1 of 4 stars; one submission).

Allele frequency attached by ClinVar (database versions not stated): gnomAD exomes below 0.00001; gnomAD 0.00001.
gnomAD v4.1: 2 of 1,565,756 alleles (0.00013%); highest among the groups gnomAD compares: African/African-American, 0.0014%; no homozygotes.

Submission:

Center for Pediatric Genomic Medicine, Children's Mercy Hospital and Clinics
Classification: Uncertain significance. Last evaluated: 2015-06-04. Review status: criteria provided, single submitter. Criteria: ACMG Guidelines, 2015. Collection method: clinical testing. Allele origin: germline.
ClinVar note: Converted during submission from Uncertain Significance to Uncertain significance.

NM_004525.3(LRP2):c.17C>A (p.Ala6Glu)

Gene: LRP2 (LDL receptor related protein 2; minus strand). Cytogenetic location: 2q31.1.
Variant type: single nucleotide variant.
Coding change: c.17C>A on transcript NM_004525.3 (MANE Select); coding-DNA position 17, C replaced by A.
Protein change: p.Ala6Glu; replaces alanine 6 with glutamic acid.
Molecular consequence: missense variant.
Genome position (GRCh38, 1-based): chr2:169,362,383, G>T on the plus strand (C>A on the coding strand, the complement: LRP2 is on the minus strand). VCF-style: chr2-169362383-G-T. GRCh37 (hg19) VCF-style: chr2-170218893-G-T.
Other names: short protein forms A6E.
Identifiers: ClinVar variation 235715 (VCV000235715.3), dbSNP rs878853100, ClinGen allele CA10581410.